The following is an entry in ClinVar:

ClinVar aggregate classification (germline): Conflicting classifications of pathogenicity. Review status: criteria provided, conflicting classifications (1 of 4 stars). 2 submissions from 2 submitters: Uncertain significance (1); Benign (1). Last evaluated 2024-02-28.

Conditions:
Pseudohypoparathyroidism type 1B (PHP1B). Also called: PHP IB; Pseudohypoparathyroidism Ib (PHP-Ib); Pseudohypoparathyroidism Type IB. Identifiers: Orphanet 94089, MedGen C1864100, MONDO:0011301, OMIM 603233.
Inborn genetic diseases. Identifiers: MedGen C0950123, MeSH D030342.

Allele frequency attached by ClinVar (database versions not stated): gnomAD 0.00001; gnomAD exomes 0.00002 and 0.00004; TOPMed 0.00002; ExAC 0.00006; 1000 Genomes Project 30x 0.00016; 1000 Genomes Project 0.00020.

Submissions (2):

Ambry Genetics
Classification: Uncertain significance for Inborn genetic diseases. Last evaluated: 2024-02-28. Review status: criteria provided, single submitter. Criteria: Ambry Variant Classification Scheme 2023. Collection method: clinical testing. Allele origin: germline.

Illumina Laboratory Services, Illumina
Classification: Benign for Pseudohypoparathyroidism type 1B. Last evaluated: 2018-01-12. Review status: criteria provided, single submitter. Criteria: ICSL Variant Classification Criteria 13 December 2019. Collection method: clinical testing. Allele origin: germline.
Comment: This variant was observed in the ICSL laboratory as part of a predisposition screen in an ostensibly healthy population. It had not been previously curated by ICSL or reported in the Human Gene Mutation Database (HGMD: prior to June 1st, 2018), and was therefore a candidate for classification through an automated scoring system. Utilizing variant allele frequency, disease prevalence and penetrance estimates, and inheritance mode, an automated score was calculated to assess if this variant is too frequent to cause the disease. Based on the score and internal cut-off values, a variant classified as benign is not then subjected to further curation. The score for this variant resulted in a classification of benign for this disease.

NM_001001433.3(STX16):c.217C>T (p.Arg73Trp)

Genes: STX16 (syntaxin 16; plus strand), STX16-NPEPL1 (STX16-NPEPL1 readthrough (NMD candidate); plus strand). Cytogenetic location: 20q13.32.
Variant type: single nucleotide variant.
Coding change: c.217C>T on transcript NM_001001433.3 (MANE Select); coding-DNA position 217, C replaced by T.
Protein change: p.Arg73Trp; replaces arginine 73 with tryptophan.
Molecular consequence: missense variant. On other transcripts: non-coding transcript variant (4).
Genome position (GRCh38, 1-based): chr20:58,667,562, C>T. VCF-style: chr20-58667562-C-T. GRCh37 (hg19) VCF-style: chr20-57242618-C-T.
Other names: c.205C>T, p.Arg69Trp (NM_001134772.3); c.166C>T, p.Arg56Trp (NM_001134773.3); c.58C>T, p.Arg20Trp (NM_001204868.2); c.154C>T, p.Arg52Trp (NM_003763.6); short protein forms R73W, R56W, R52W, R69W, R20W.
Identifiers: ClinVar variation 339046 (VCV000339046.6), dbSNP rs115046538, ClinGen allele CA9925244.
Genomic context (GRCh38, chr20:58,667,562, plus strand): 5'-CGTATGGCACTGGTGTCAGGCATCAGCTTAGATCCAGAAGCAGCGATTGGTGTGACAAAA[C>T]GGCCACCTCCTAAGTGGGTGGATGGAGTGGATGAAGTAAGTTCCATGTTAGTTTCATAGC-3'
Protein context (NP_001001433.1, residues 63-83): DPEAAIGVTK[Arg73Trp]PPPKWVDGVD